The following is an entry in ClinVar:

NM_005045.4(RELN):c.4747+5G>T

Gene: RELN (reelin; minus strand). Cytogenetic location: 7q22.1.
Variant type: single nucleotide variant.
Coding change: c.4747+5G>T on transcript NM_005045.4 (MANE Select); 5 bases into the intron after coding-DNA position 4747, G replaced by T.
Molecular consequence: intron variant.
Genome position (GRCh38, 1-based): chr7:103,566,596, C>A on the plus strand (G>T on the coding strand, the complement: RELN is on the minus strand). VCF-style: chr7-103566596-C-A. GRCh37 (hg19) VCF-style: chr7-103207043-C-A.
Other names: c.4747+5G>T (NM_173054.3).
Identifiers: ClinVar variation 2086963 (VCV002086963.4), dbSNP rs1304484429, ClinGen allele CA1730792242.
Genomic context (GRCh38, chr7:103,566,596, plus strand): 5'-CAAGGTGGGTATGGATACTTCATGACCTAAAAGCTACCAGAAAGCTGGAGTGAGCAGTAA[C>A]TTACCATGTTGCGGTTGCCACCATCGAAATGCCGTTGCAGGTGTCTTCGCGTCCTGTGGC-3'

ClinVar aggregate classification (germline): Uncertain significance (1 of 4 stars; one submission).

Conditions:
Familial temporal lobe epilepsy 7. Identifiers: Orphanet 101046, MedGen C4225327, MONDO:0014639, OMIM 616436.
Norman-Roberts syndrome (LIS2). Also called: Lissencephaly 2 (Norman-Roberts type). Identifiers: Orphanet 89844, MedGen C0796089, MONDO:0009760, OMIM 257320.

Submission:

Labcorp Genetics (formerly Invitae), Labcorp
Classification: Uncertain significance for Familial temporal lobe epilepsy 7; Norman-Roberts syndrome. Last evaluated: 2022-10-14. Review status: criteria provided, single submitter. Criteria: Invitae Variant Classification Sherloc (09022015). Collection method: clinical testing. Allele origin: germline.
Comment: In summary, the available evidence is currently insufficient to determine the role of this variant in disease. Therefore, it has been classified as a Variant of Uncertain Significance. Variants that disrupt the consensus splice site are a relatively common cause of aberrant splicing (PMID: 17576681, 9536098). Algorithms developed to predict the effect of sequence changes on RNA splicing suggest that this variant is not likely to affect RNA splicing. This variant has not been reported in the literature in individuals affected with RELN-related conditions. This variant is not present in population databases (gnomAD no frequency). This sequence change falls in intron 32 of the RELN gene. It does not directly change the encoded amino acid sequence of the RELN protein. It affects a nucleotide within the consensus splice site.

Literature cited by the submitters: PubMed 17576681; PubMed 9536098.